The following is an entry in ClinVar:

NM_001320.7(CSNK2B):c.292-1G>A

Gene: CSNK2B (casein kinase 2 beta; plus strand). Cytogenetic location: 6p21.33.
Variant type: single nucleotide variant.
Coding change: c.292-1G>A on transcript NM_001320.7 (MANE Select); the canonical splice acceptor site of the intron before coding-DNA position 292, G replaced by A.
Molecular consequence: splice acceptor variant.
Genome position (GRCh38, 1-based): chr6:31,669,096, G>A. VCF-style: chr6-31669096-G-A. GRCh37 (hg19) VCF-style: chr6-31636873-G-A.
Other names: c.292-1G>A (NM_001282385.2).
Identifiers: ClinVar variation 3776412 (VCV003776412.1).

ClinVar aggregate classification (germline): Pathogenic (1 of 4 stars; one submission).

Submission:

GeneDx
Classification: Pathogenic. Last evaluated: 2024-10-05. Review status: criteria provided, single submitter. Criteria: GeneDx Variant Classification Process June 2021. Collection method: clinical testing. Allele origin: germline. Affected: yes.
Comment: Canonical splice site variant predicted to result in a null allele in a gene for which loss of function is a known mechanism of disease; Not observed at significant frequency in large population cohorts (gnomAD); This variant is associated with the following publications: (PMID: 35774559)